The following is an entry in ClinVar:

NM_170754.4(TNS2):c.2777G>A (p.Arg926Gln)

Gene: TNS2 (tensin 2; plus strand). Cytogenetic location: 12q13.13.
Variant type: single nucleotide variant.
Coding change: c.2777G>A on transcript NM_170754.4 (MANE Select); coding-DNA position 2777, G replaced by A.
Protein change: p.Arg926Gln; replaces arginine 926 with glutamine.
Molecular consequence: missense variant.
Genome position (GRCh38, 1-based): chr12:53,060,683, G>A. VCF-style: chr12-53060683-G-A. GRCh37 (hg19) VCF-style: chr12-53454467-G-A.
Other names: c.2777G>A, p.Arg926Gln (NM_001416202.1); c.2735G>A, p.Arg912Gln (NM_001416203.1); c.2804G>A, p.Arg935Gln (NM_001416204.1); c.2708G>A, p.Arg903Gln (NM_015319.3); c.2405G>A, p.Arg802Gln (NM_198316.2); short protein forms R912Q, R802Q, R926Q, R903Q, R935Q.
Identifiers: ClinVar variation 3698139 (VCV003698139.2).

ClinVar aggregate classification (germline): Uncertain significance (1 of 4 stars; one submission).

gnomAD v4.1: 29 of 1,580,098 alleles (0.0018%); highest among the groups gnomAD compares: Admixed American, 0.012%; no homozygotes.

Submission:

Labcorp Genetics (formerly Invitae), Labcorp
Classification: Uncertain significance. Last evaluated: 2024-08-31. Review status: criteria provided, single submitter. Criteria: Invitae Variant Classification Sherloc (09022015). Collection method: clinical testing. Allele origin: germline.
Comment: This sequence change replaces arginine, which is basic and polar, with glutamine, which is neutral and polar, at codon 936 of the TNS2 protein (p.Arg936Gln). This variant is present in population databases (rs533324165, gnomAD 0.009%). This variant has not been reported in the literature in individuals affected with TNS2-related conditions. An algorithm developed to predict the effect of missense changes on protein structure and function outputs the following: PolyPhen-2: "Benign". The glutamine amino acid residue is found in multiple mammalian species, which suggests that this missense change does not adversely affect protein function. In summary, the available evidence is currently insufficient to determine the role of this variant in disease. Therefore, it has been classified as a Variant of Uncertain Significance.